The following is an entry in ClinVar:

ClinVar aggregate classification (germline): Likely benign. Review status: criteria provided, multiple submitters, no conflicts (2 of 4 stars). 2 submissions from 2 submitters: Likely benign (2). Last evaluated 2025-06-10.

Allele frequency attached by ClinVar (database versions not stated): TOPMed 0.00006.
gnomAD v4.1: 94 of 1,614,014 alleles (0.0058%); highest among the groups gnomAD compares: Non-Finnish European, 0.0078%; no homozygotes.

Submissions (2):

Labcorp Genetics (formerly Invitae), Labcorp
Classification: Likely benign. Last evaluated: 2025-06-10. Review status: criteria provided, single submitter. Criteria: Invitae Variant Classification Sherloc (09022015). Collection method: clinical testing. Allele origin: germline.

Laboratory for Molecular Medicine, Mass General Brigham Personalized Medicine
Classification: Likely benign. Last evaluated: 2015-04-28. Review status: criteria provided, single submitter. Criteria: LMM Criteria. Collection method: clinical testing. Allele origin: germline. Observed: 1 variant allele.
Comment: p.Ser672Ser in exon 15 of CACNA1D: This variant is not expected to have clinical significance because it does not alter an amino acid residue and is not located within the splice consensus sequence. It has been identified in 3/66740 Europea n chromosomes by the Exome Aggregation Consortium (ExAC).

NM_001128840.3(CACNA1D):c.1956G>T (p.Ser652=)

Gene: CACNA1D (calcium voltage-gated channel subunit alpha1 D; plus strand). Cytogenetic location: 3p21.1.
Variant type: single nucleotide variant.
Coding change: c.1956G>T on transcript NM_001128840.3 (MANE Select); coding-DNA position 1956, G replaced by T.
Protein change: p.Ser652=; no amino-acid change (serine 652 retained).
Molecular consequence: synonymous variant.
Genome position (GRCh38, 1-based): chr3:53,723,855, G>T. VCF-style: chr3-53723855-G-T. GRCh37 (hg19) VCF-style: chr3-53757882-G-T.
Other names: c.2016G>T, p.Ser672= (NM_000720.4); c.1956G>T, p.Ser652= (NM_001128839.3).
Identifiers: ClinVar variation 227195 (VCV000227195.11), dbSNP rs746739986, ClinGen allele CA2454104.